The following is an entry in ClinVar:

NM_020937.4(FANCM):c.344T>C (p.Leu115Pro)

Gene: FANCM (FA complementation group M; plus strand). Cytogenetic location: 14q21.2.
Variant type: single nucleotide variant.
Coding change: c.344T>C on transcript NM_020937.4 (MANE Select); coding-DNA position 344, T replaced by C.
Protein change: p.Leu115Pro; replaces leucine 115 with proline.
Molecular consequence: missense variant.
Genome position (GRCh38, 1-based): chr14:45,136,375, T>C. VCF-style: chr14-45136375-T-C. GRCh37 (hg19) VCF-style: chr14-45605578-T-C.
Other names: c.344T>C, p.Leu115Pro (NM_001308133.2, NM_001308134.2); short protein forms L115P.
Identifiers: ClinVar variation 4022583 (VCV004022583.1).
Genomic context (GRCh38, chr14:45,136,375, plus strand): 5'-AGCTGCACATTTCCCGGGCTGCTCTGTTTTGCAATACGCTGGTGTGTCTGCCTACCGGAC[T>C]GGGAAAGACCTTTATTGCCGCCGTGGTCATGTACAATTTCTACCGCTGGTTCCCTTCAGG-3'
Protein context (NP_065988.1, residues 105-125): CNTLVCLPTG[Leu115Pro]GKTFIAAVVM

ClinVar aggregate classification (germline): Uncertain significance (1 of 4 stars; one submission).

Conditions:
Inborn genetic diseases. Identifiers: MedGen C0950123, MeSH D030342.

Submission:

Ambry Genetics
Classification: Uncertain significance for Inborn genetic diseases. Last evaluated: 2025-03-15. Review status: criteria provided, single submitter. Criteria: Ambry Variant Classification Scheme 2023. Collection method: clinical testing. Allele origin: germline.
Comment: The p.L115P variant (also known as c.344T>C), located in coding exon 1 of the FANCM gene, results from a T to C substitution at nucleotide position 344. The leucine at codon 115 is replaced by proline, an amino acid with similar properties. This amino acid position is conserved. In addition, this alteration is predicted to be deleterious by in silico analysis. Based on the available evidence, the clinical significance of this variant remains unclear.